The following is an entry in ClinVar:

NM_000553.6(WRN):c.2149T>G (p.Cys717Gly)

Gene: WRN (WRN RecQ like helicase; plus strand). Cytogenetic location: 8p12.
Variant type: single nucleotide variant.
Coding change: c.2149T>G on transcript NM_000553.6 (MANE Select); coding-DNA position 2149, T replaced by G.
Protein change: p.Cys717Gly; replaces cysteine 717 with glycine.
Molecular consequence: missense variant.
Genome position (GRCh38, 1-based): chr8:31,111,675, T>G. VCF-style: chr8-31111675-T-G. GRCh37 (hg19) VCF-style: chr8-30969191-T-G.
Other names: short protein forms C717G.
Identifiers: ClinVar variation 1491892 (VCV001491892.6), dbSNP rs1060500078, ClinGen allele CA370912573.

ClinVar aggregate classification (germline): Uncertain significance (1 of 4 stars; one submission).

Conditions:
Werner syndrome (WRN). Identifiers: Orphanet 902, MedGen C0043119, MONDO:0010196, OMIM 277700.

Submission:

Labcorp Genetics (formerly Invitae), Labcorp
Classification: Uncertain significance for Werner syndrome. Last evaluated: 2021-03-26. Review status: criteria provided, single submitter. Criteria: Invitae Variant Classification Sherloc (09022015). Collection method: clinical testing. Allele origin: germline.
Comment: This variant has not been reported in the literature in individuals with WRN-related conditions. In summary, the available evidence is currently insufficient to determine the role of this variant in disease. Therefore, it has been classified as a Variant of Uncertain Significance. Algorithms developed to predict the effect of missense changes on protein structure and function are either unavailable or do not agree on the potential impact of this missense change (SIFT: "Not Available"; PolyPhen-2: "Possibly Damaging"; Align-GVGD: "Not Available"). This variant is not present in population databases (ExAC no frequency). This sequence change replaces cysteine with glycine at codon 717 of the WRN protein (p.Cys717Gly). The cysteine residue is moderately conserved and there is a large physicochemical difference between cysteine and glycine.